The following is an entry in ClinVar:

NM_001123385.2(BCOR):c.5052T>G (p.Phe1684Leu)

Gene: BCOR (BCL6 corepressor; minus strand). Cytogenetic location: Xp11.4.
Variant type: single nucleotide variant.
Coding change: c.5052T>G on transcript NM_001123385.2 (MANE Select); coding-DNA position 5052, T replaced by G.
Protein change: p.Phe1684Leu; replaces phenylalanine 1684 with leucine.
Molecular consequence: missense variant.
Genome position (GRCh38, 1-based): chrX:40,052,325, A>C on the plus strand (T>G on the coding strand, the complement: BCOR is on the minus strand). VCF-style: chrX-40052325-A-C. GRCh37 (hg19) VCF-style: chrX-39911578-A-C.
Other names: c.4950T>G, p.Phe1650Leu (NM_001123383.2, NM_017745.6); c.4896T>G, p.Phe1632Leu (NM_001123384.2); short protein forms F1632L, F1650L, F1684L.
Identifiers: ClinVar variation 3026745 (VCV003026745.22), dbSNP rs2519231414, ClinGen allele CA412732781.

ClinVar aggregate classification (germline): Uncertain significance (1 of 4 stars; one submission).

Allele frequency attached by ClinVar (database versions not stated): gnomAD exomes below 0.00001.
gnomAD v4.1: 1 of 1,212,100 alleles (0.000083%); highest among the groups gnomAD compares: Non-Finnish European, 0.00011%; no homozygotes.

Submission:

CeGaT Center for Human Genetics Tuebingen
Classification: Uncertain significance. Last evaluated: 2024-01-01. Review status: criteria provided, single submitter. Criteria: CeGaT Center For Human Genetics Tuebingen Variant Classification Criteria Version 2. Collection method: clinical testing. Allele origin: germline. Affected: yes. Observed: 1 variant allele.
Comment: BCOR: PM2